The following is an entry in ClinVar:

ClinVar aggregate classification (germline): Benign (0 of 4 stars; one submission).

Conditions:
KPNA3-related condition.

gnomAD v4.1: 357 of 1,596,628 alleles (0.022%); highest among the groups gnomAD compares: African/African-American, 0.44%; 2 homozygotes.

Submission:

PreventionGenetics, part of Exact Sciences
Classification: Benign for KPNA3-related condition. Last evaluated: 2024-09-04. Review status: no assertion criteria provided. Collection method: clinical testing. Allele origin: germline.
Comment: This variant is classified as benign based on ACMG/AMP sequence variant interpretation guidelines (Richards et al. 2015 PMID: 25741868, with internal and published modifications).

NM_002267.4(KPNA3):c.70-9C>G

Gene: KPNA3 (karyopherin subunit alpha 3; minus strand). Cytogenetic location: 13q14.2.
Variant type: single nucleotide variant.
Coding change: c.70-9C>G on transcript NM_002267.4 (MANE Select); 9 bases into the intron before coding-DNA position 70, C replaced by G.
Molecular consequence: intron variant.
Genome position (GRCh38, 1-based): chr13:49,747,002, G>C on the plus strand (C>G on the coding strand, the complement: KPNA3 is on the minus strand). VCF-style: chr13-49747002-G-C. GRCh37 (hg19) VCF-style: chr13-50321138-G-C.
Identifiers: ClinVar variation 3347972 (VCV003347972.1).